The following is an entry in ClinVar:

ClinVar aggregate classification (germline): Likely benign. Review status: reviewed by expert panel (3 of 4 stars). 4 submissions from 4 submitters: Likely benign (1). 3 of the submissions do not count toward it. Last evaluated 2017-06-29.

Conditions:
Hereditary breast ovarian cancer syndrome. Also called: Hereditary breast and ovarian cancer; Hereditary breast and ovarian cancer syndrome; Breast and ovarian cancer; Hereditary breast and ovarian cancer syndrome (HBOC); Hereditary breast and/or ovarian cancer syndrome; BRCA1- and BRCA2-Associated Hereditary Breast and Ovarian Cancer. Identifiers: Orphanet 145, MedGen C0677776, MeSH D061325, MONDO:0003582. Disease mechanism: loss of function.
Hereditary cancer-predisposing syndrome. Also called: Hereditary Cancer Syndrome; Neoplastic Syndromes, Hereditary; Tumor predisposition; Hereditary neoplastic syndrome. Identifiers: Orphanet 140162, MedGen C0027672, MeSH D009386, MONDO:0015356.
Breast-ovarian cancer, familial, susceptibility to, 2 (BROVCA2). Also called: BRCA2 Hereditary Breast and Ovarian Cancer. Identifiers: Orphanet 145, MedGen C2675520, MONDO:0012933, OMIM 612555. Disease mechanism: loss of function.

Allele frequency attached by ClinVar (database versions not stated): gnomAD exomes below 0.00001; ExAC 0.00001.
gnomAD v4.1: 4 of 1,613,202 alleles (0.00025%); highest among the groups gnomAD compares: Non-Finnish European, 0.00034%; no homozygotes.

Submissions (4):

Evidence-based Network for the Interpretation of Germline Mutant Alleles (ENIGMA)
Classification: Likely benign for Breast-ovarian cancer, familial, susceptibility to, 2. Last evaluated: 2017-06-29. Review status: reviewed by expert panel. Criteria: ENIGMA BRCA1/2 Classification Criteria (2017-06-29). Collection method: curation. Allele origin: germline.
Comment: Synonymous substitution variant, with low bioinformatic likelihood to result in a splicing aberration (Splicing prior probability 0.02).

Labcorp Genetics (formerly Invitae), Labcorp
Classification: Likely benign for Hereditary breast ovarian cancer syndrome. Last evaluated: 2025-12-24. Review status: criteria provided, single submitter. Criteria: Invitae Variant Classification Sherloc (09022015). Collection method: clinical testing. Allele origin: germline. Not counted in ClinVar's aggregate classification.

Institute for Biomarker Research, Medical Diagnostic Laboratories, L.L.C.
Classification: Likely benign for Hereditary breast ovarian cancer syndrome. Last evaluated: 2023-03-09. Review status: criteria provided, single submitter. Criteria: ACMG Guidelines, 2015. Collection method: clinical testing. Allele origin: germline. Not counted in ClinVar's aggregate classification.

Ambry Genetics
Classification: Likely benign for Hereditary cancer-predisposing syndrome. Last evaluated: 2014-08-17. Review status: criteria provided, single submitter. Criteria: Ambry Variant Classification Scheme 2023. Collection method: clinical testing. Allele origin: germline. Not counted in ClinVar's aggregate classification.

NM_000059.4(BRCA2):c.5787T>C (p.Ile1929=)

Gene: BRCA2 (BRCA2 DNA repair associated; plus strand). Cytogenetic location: 13q13.1.
Variant type: single nucleotide variant.
Coding change: c.5787T>C on transcript NM_000059.4 (MANE Select); coding-DNA position 5787, T replaced by C.
Protein change: p.Ile1929=; no amino-acid change (isoleucine 1929 retained).
Molecular consequence: synonymous variant.
Genome position (GRCh38, 1-based): chr13:32,340,142, T>C. VCF-style: chr13-32340142-T-C. GRCh37 (hg19) VCF-style: chr13-32914279-T-C.
Identifiers: ClinVar variation 185956 (VCV000185956.15), dbSNP rs765881070, ClinGen allele CA023232.